The following is an entry in ClinVar:

ClinVar aggregate classification (germline): Likely pathogenic (1 of 4 stars; one submission).

Conditions:
Chédiak-Higashi syndrome (CHS). Also called: Chediak-Higashi Syndrome. Identifiers: Orphanet 167, MedGen C0007965, MONDO:0008963, OMIM 214500.

Submission:

Labcorp Genetics (formerly Invitae), Labcorp
Classification: Likely pathogenic for Chédiak-Higashi syndrome. Last evaluated: 2023-01-16. Review status: criteria provided, single submitter. Criteria: Invitae Variant Classification Sherloc (09022015). Collection method: clinical testing. Allele origin: germline.
Comment: In summary, the currently available evidence indicates that the variant is pathogenic, but additional data are needed to prove that conclusively. Therefore, this variant has been classified as Likely Pathogenic. Algorithms developed to predict the effect of sequence changes on RNA splicing suggest that this variant may disrupt the consensus splice site. This variant has not been reported in the literature in individuals affected with LYST-related conditions. This variant is not present in population databases (gnomAD no frequency). This sequence change affects a donor splice site in intron 16 of the LYST gene. It is expected to disrupt RNA splicing. Variants that disrupt the donor or acceptor splice site typically lead to a loss of protein function (PMID: 16199547), and loss-of-function variants in LYST are known to be pathogenic (PMID: 9215679, 11857544).

Literature cited by the submitters: PubMed 16199547; PubMed 9215679; PubMed 11857544.

NM_000081.4(LYST):c.5214+1G>C

Gene: LYST (lysosomal trafficking regulator; minus strand). Cytogenetic location: 1q42.3.
Variant type: single nucleotide variant.
Coding change: c.5214+1G>C on transcript NM_000081.4 (MANE Select); the canonical splice donor site of the intron after coding-DNA position 5214, G replaced by C.
Molecular consequence: splice donor variant.
Genome position (GRCh38, 1-based): chr1:235,780,864, C>G on the plus strand (G>C on the coding strand, the complement: LYST is on the minus strand). VCF-style: chr1-235780864-C-G. GRCh37 (hg19) VCF-style: chr1-235944164-C-G.
Other names: c.5214+1G>C (NM_001301365.1).
Identifiers: ClinVar variation 2829124 (VCV002829124.3), dbSNP rs1669798610, ClinGen allele CA344955062.
Genomic context (GRCh38, chr1:235,780,864, plus strand): 5'-TACAATAAATATACCTAAATACATTTACTATAAAATTAAAATTTATAAAATTAAAACTTA[C>G]AATTAAGAGACCAATATCCACATCTTTCTTGGTCATAAAAAGTTCTCTGATTTGTTCACA-3'